The following is an entry in ClinVar:

ClinVar aggregate classification (germline): Conflicting classifications of pathogenicity. Review status: criteria provided, conflicting classifications (1 of 4 stars). 3 submissions from 3 submitters: Likely pathogenic (1); Uncertain significance (2). Last evaluated 2026-08-25.

Conditions:
Familial adenomatous polyposis 2. Also called: MUTYH Polyposis; Adenomas, multiple colorectal; MUTYH-associated polyposis; MUTYH-related attenuated familial adenomatous polyposis; COLORECTAL ADENOMATOUS POLYPOSIS, AUTOSOMAL RECESSIVE; ADENOMAS, MULTIPLE COLORECTAL, AUTOSOMAL RECESSIVE. Identifiers: Orphanet 220460, Orphanet 247798, MedGen C3272841, MONDO:0012041, OMIM 608456.
Hereditary cancer-predisposing syndrome. Also called: Tumor predisposition; Hereditary neoplastic syndrome; Neoplastic Syndromes, Hereditary; Hereditary Cancer Syndrome. Identifiers: Orphanet 140162, MedGen C0027672, MeSH D009386, MONDO:0015356.

Allele frequency attached by ClinVar (database versions not stated): TOPMed below 0.00001.
gnomAD v4.1: 1 of 1,614,172 alleles (0.000062%); highest among the groups gnomAD compares: Non-Finnish European, 0.000085%; no homozygotes.

Submissions (3):

Myriad Genetics, Inc.
Classification: Likely pathogenic for Familial adenomatous polyposis 2. Last evaluated: 2026-08-25. Review status: criteria provided, single submitter. Criteria: Myriad Autosomal Dominant, Autosomal Recessive and X-Linked Classification Criteria (2023). Collection method: clinical testing. Allele origin: unknown.
Comment: This variant is considered likely pathogenic. Functional studies indicate this variant impacts protein function [PMID: 40738107]. This variant is expected to disrupt protein structure [Myriad internal data].

Labcorp Genetics (formerly Invitae), Labcorp
Classification: Uncertain significance for Familial adenomatous polyposis 2. Last evaluated: 2025-11-10. Review status: criteria provided, single submitter. Criteria: Invitae Variant Classification Sherloc (09022015). Collection method: clinical testing. Allele origin: germline.
Comment: This sequence change replaces alanine, which is neutral and non-polar, with threonine, which is neutral and polar, at codon 220 of the MUTYH protein (p.Ala220Thr). This variant is not present in population databases (gnomAD no frequency). This variant has not been reported in the literature in individuals affected with MUTYH-related conditions. ClinVar contains an entry for this variant (Variation ID: 937530). An algorithm developed to predict the effect of missense changes on protein structure and function (PolyPhen-2) suggests that this variant is likely to be disruptive. In summary, the available evidence is currently insufficient to determine the role of this variant in disease. Therefore, it has been classified as a Variant of Uncertain Significance.

Molecular Diagnostics Laboratory, Catalan Institute of Oncology
Classification: Uncertain significance for Hereditary cancer-predisposing syndrome. Last evaluated: 2024-10-06. Review status: criteria provided, single submitter. Criteria: ACMG Guidelines, 2015. Collection method: clinical testing. Allele origin: germline.
Comment: PM2_Supporting, PP3_Moderate c.658G>A is located in exon 8 of the MUTYH gene, is predicted to result in the substitution of alanine by threonine at codon 220, p.(Ala220Thr). It is not present in the population database gnomAD v2.1.1, non cancer dataset (PM2_Supporting). The SpliceAI algorithm predicts no significant impact on splicing and the REVEL meta-predictor score for this variant (0.871) suggests a deleterious effect on protein function according to Pejaver 2022 thresholds (PMID: 36413997) (PP3_Moderate). ). To our knowledge, neither clinical data nor functional studies have been reported for this variant. Also, the variant has been identified in the ClinVar database (1x uncertain significance) but is not present in LOVD database. Based on currently available information, the variant c.658G>A is classified as an uncertain significance variant according to ACMG guidelines.

Literature cited by the submitters: PubMed 40738107 (cited by Myriad Genetics, Inc.).

NM_001048174.2(MUTYH):c.574G>A (p.Ala192Thr)

Gene: MUTYH (mutY DNA glycosylase; minus strand). Cytogenetic location: 1p34.1.
Variant type: single nucleotide variant.
Coding change: c.574G>A on transcript NM_001048174.2 (MANE Select); coding-DNA position 574, G replaced by A.
Protein change: p.Ala192Thr; replaces alanine 192 with threonine.
Molecular consequence: missense variant. On other transcripts: non-coding transcript variant (2).
Genome position (GRCh38, 1-based): chr1:45,332,606, C>T on the plus strand (G>A on the coding strand, the complement: MUTYH is on the minus strand). VCF-style: chr1-45332606-C-T. GRCh37 (hg19) VCF-style: chr1-45798278-C-T.
Other names: c.574G>A, p.Ala192Thr (NM_001048171.2, NM_001048173.2, NM_001293195.2); c.577G>A, p.Ala193Thr (NM_001048172.2); c.658G>A, p.Ala220Thr (NM_001128425.2); c.619G>A, p.Ala207Thr (NM_001293190.2); c.607G>A, p.Ala203Thr (NM_001293191.2); c.298G>A, p.Ala100Thr (NM_001293192.2, NM_001293196.2); c.229G>A, p.Ala77Thr (NM_001350650.2, NM_001350651.2); c.649G>A, p.Ala217Thr (NM_012222.3); short protein forms A193T, A207T, A217T, A220T, A100T, A192T, A203T, A77T.
Identifiers: ClinVar variation 937530 (VCV000937530.11), dbSNP rs1489217206, ClinGen allele CA340135317.